The following is an entry in ClinVar:

ClinVar aggregate classification (germline): Benign. Review status: criteria provided, multiple submitters, no conflicts (2 of 4 stars). 16 submissions from 12 submitters: Benign (13). 3 of the submissions do not count toward it. Last evaluated 2026-02-04.

Conditions:
Usher syndrome type 1 (USH1). Also called: RETINITIS PIGMENTOSA AND CONGENITAL DEAFNESS. Identifiers: Orphanet 231169, Orphanet 886, MedGen C1568247, MONDO:0010168, OMIM 276900.
Usher syndrome type 1B (USH1B). Also called: Usher syndrome type IB. Identifiers: MedGen C1848638, MONDO:0700087.
Autosomal recessive nonsyndromic hearing loss 2. Also called: DEAFNESS, AUTOSOMAL RECESSIVE 2; NEUROSENSORY NONSYNDROMIC RECESSIVE DEAFNESS 2. Identifiers: Orphanet 90636, MedGen C1838701, MONDO:0010807, OMIM 600060.
Autosomal dominant nonsyndromic hearing loss 11. Identifiers: Orphanet 90635, MedGen C1832475, MONDO:0011032, OMIM 601317.

Allele frequency attached by ClinVar (database versions not stated): gnomAD exomes 0.51629; ExAC 0.52321; ESP Exome Variant Server 0.55373; 1000 Genomes Project 0.55491; gnomAD 0.55864 and 0.56709; 1000 Genomes Project 30x 0.56074; TOPMed 0.56594.
gnomAD v4.1: 796,316 of 1,611,312 alleles (49%); highest among the groups gnomAD compares: African/African-American, 70%; 200,746 homozygotes.

Submissions (16):

Labcorp Genetics (formerly Invitae), Labcorp
Classification: Benign. Last evaluated: 2026-02-04. Review status: criteria provided, single submitter. Criteria: Invitae Variant Classification Sherloc (09022015). Collection method: clinical testing. Allele origin: germline.

Women's Health and Genetics/Laboratory Corporation of America, LabCorp
Classification: Benign. Last evaluated: 2025-05-22. Review status: criteria provided, single submitter. Criteria: LabCorp Variant Classification Summary - May 2015. Collection method: clinical testing. Allele origin: germline.

Genome-Nilou Lab
Classification: Benign for Autosomal dominant nonsyndromic hearing loss 11. Last evaluated: 2021-07-01. Review status: criteria provided, single submitter. Criteria: ACMG Guidelines, 2015. Collection method: clinical testing. Allele origin: germline. Affected: no.

Genome-Nilou Lab
Classification: Benign for Autosomal recessive nonsyndromic hearing loss 2. Last evaluated: 2021-07-01. Review status: criteria provided, single submitter. Criteria: ACMG Guidelines, 2015. Collection method: clinical testing. Allele origin: germline. Affected: no.

Genome-Nilou Lab
Classification: Benign for Usher syndrome type 1. Last evaluated: 2021-07-01. Review status: criteria provided, single submitter. Criteria: ACMG Guidelines, 2015. Collection method: clinical testing. Allele origin: germline. Affected: no.

Mayo Clinic Laboratories, Mayo Clinic
Classification: Benign. Last evaluated: 2020-08-28. Review status: criteria provided, single submitter. Criteria: ACMG Guidelines, 2015. Collection method: clinical testing. Allele origin: germline. Observed: 121 variant alleles.

Illumina Laboratory Services, Illumina
Classification: Benign for Autosomal recessive nonsyndromic hearing loss 2. Last evaluated: 2018-01-13. Review status: criteria provided, single submitter. Criteria: ICSL Variant Classification Criteria 13 December 2019. Collection method: clinical testing. Allele origin: germline.
Comment: This variant was observed in the ICSL laboratory as part of a predisposition screen in an ostensibly healthy population. It had not been previously curated by ICSL or reported in the Human Gene Mutation Database (HGMD: prior to June 1st, 2018), and was therefore a candidate for classification through an automated scoring system. Utilizing variant allele frequency, disease prevalence and penetrance estimates, and inheritance mode, an automated score was calculated to assess if this variant is too frequent to cause the disease. Based on the score and internal cut-off values, a variant classified as benign is not then subjected to further curation. The score for this variant resulted in a classification of benign for this disease.

Illumina Laboratory Services, Illumina
Classification: Benign for Usher syndrome type 1. Last evaluated: 2018-01-13. Review status: criteria provided, single submitter. Criteria: ICSL Variant Classification Criteria 13 December 2019. Collection method: clinical testing. Allele origin: germline.
Comment: the same text as in the submission from Illumina Laboratory Services, Illumina above.

Illumina Laboratory Services, Illumina
Classification: Benign for Autosomal dominant nonsyndromic hearing loss 11. Last evaluated: 2018-01-13. Review status: criteria provided, single submitter. Criteria: ICSL Variant Classification Criteria 13 December 2019. Collection method: clinical testing. Allele origin: germline.
Comment: the same text as in the submission from Illumina Laboratory Services, Illumina above.

GeneDx
Classification: Benign. Last evaluated: 2015-03-03. Review status: criteria provided, single submitter. Criteria: GeneDx Variant Classification Process June 2021. Collection method: clinical testing. Allele origin: germline. Affected: yes.

Laboratory for Molecular Medicine, Mass General Brigham Personalized Medicine
Classification: Benign. Last evaluated: 2007-03-08. Review status: criteria provided, single submitter. Criteria: LMM Criteria. Collection method: clinical testing. Allele origin: germline. Observed: 1,669 variant alleles.

Breakthrough Genomics
Classification: Benign. Review status: criteria provided, single submitter. Criteria: ACMG Guidelines, 2015. Collection method: not provided. Allele origin: germline. Inheritance: Autosomal recessive inheritance. Affected: yes.

PreventionGenetics, part of Exact Sciences
Classification: Benign. Review status: criteria provided, single submitter. Criteria: ACMG Guidelines, 2015. Collection method: clinical testing. Allele origin: germline.

Natera, Inc.
Classification: Benign for Usher syndrome type 1B. Last evaluated: 2020-09-16. Review status: no assertion criteria provided. Collection method: clinical testing. Allele origin: germline. Not counted in ClinVar's aggregate classification.

Diagnostic Laboratory, Department of Genetics, University Medical Center Groningen
Classification: Benign. Review status: no assertion criteria provided. Collection method: clinical testing. Allele origin: germline. Affected: yes. Study: VKGL Data-share Consensus. Not counted in ClinVar's aggregate classification.

Joint Genome Diagnostic Labs from Nijmegen and Maastricht, Radboudumc and MUMC+
Classification: Benign. Review status: no assertion criteria provided. Collection method: clinical testing. Allele origin: germline. Affected: yes. Study: VKGL Data-share Consensus. Not counted in ClinVar's aggregate classification.

NM_000260.4(MYO7A):c.5715A>G (p.Lys1905=)

Gene: MYO7A (myosin VIIA; plus strand). Cytogenetic location: 11q13.5.
Variant type: single nucleotide variant.
Coding change: c.5715A>G on transcript NM_000260.4 (MANE Select); coding-DNA position 5715, A replaced by G.
Protein change: p.Lys1905=; no amino-acid change (lysine 1905 retained).
Molecular consequence: synonymous variant.
Genome position (GRCh38, 1-based): chr11:77,206,175, A>G. VCF-style: chr11-77206175-A-G. GRCh37 (hg19) VCF-style: chr11-76917220-A-G.
Other names: p.Lys1905=; c.5601A>G, p.Lys1867= (NM_001127180.2); c.5568A>G, p.Lys1856= (NM_001369365.1).
Identifiers: ClinVar variation 43296 (VCV000043296.32), dbSNP rs2276293, ClinGen allele CA132397.